The following is an entry in ClinVar:

ClinVar aggregate classification (germline): Uncertain significance (1 of 4 stars; one submission).

gnomAD v4.1: 14 of 1,611,968 alleles (0.00087%); highest among the groups gnomAD compares: African/African-American, 0.004%; no homozygotes.

Submission:

Athena Diagnostics
Classification: Uncertain significance. Last evaluated: 2024-12-17. Review status: criteria provided, single submitter. Criteria: Athena Diagnostics Criteria. Collection method: clinical testing. Allele origin: unknown.
Comment: Available data are insufficient to determine the clinical significance of the variant at this time. The frequency of this variant in the general population is uninformative in assessment of its pathogenicity. Polyphen and MutationTaster predict this amino acid change may be benign.

NM_001267550.2(TTN):c.39220G>T (p.Val13074Leu)

Gene: TTN (titin; minus strand). Cytogenetic location: 2q31.2.
Variant type: single nucleotide variant.
Coding change: c.39220G>T on transcript NM_001267550.2 (MANE Select); coding-DNA position 39220, G replaced by T.
Protein change: p.Val13074Leu; replaces valine 13074 with leucine.
Molecular consequence: missense variant. On other transcripts: intron variant (3).
Genome position (GRCh38, 1-based): chr2:178,652,171, C>A on the plus strand (G>T on the coding strand, the complement: TTN is on the minus strand). VCF-style: chr2-178652171-C-A. GRCh37 (hg19) VCF-style: chr2-179516898-C-A.
Other names: c.34699G>T, p.Val11567Leu (NM_001256850.1); c.31918G>T, p.Val10640Leu (NM_133378.4); c.13283-9854G>T (NM_003319.4); c.13859-9854G>T (NM_133437.4); c.13658-9854G>T (NM_133432.3); short protein forms V10640L, V11567L, V13074L.
Identifiers: ClinVar variation 4682238 (VCV004682238.1).